The following is an entry in ClinVar:

ClinVar aggregate classification (germline): Uncertain significance (1 of 4 stars; one submission).

Conditions:
Cardiovascular phenotype. Identifiers: MedGen CN230736.

Submission:

Ambry Genetics
Classification: Uncertain significance for Cardiovascular phenotype. Last evaluated: 2019-10-18. Review status: criteria provided, single submitter. Criteria: Ambry Variant Classification Scheme 2023. Collection method: clinical testing. Allele origin: germline.
Comment: The p.I130M variant (also known as c.390C>G), located in coding exon 3 of the TTN gene, results from a C to G substitution at nucleotide position 390. The isoleucine at codon 130 is replaced by methionine, an amino acid with highly similar properties. This amino acid position is highly conserved in available vertebrate species. In addition, the in silico prediction for this alteration is inconclusive. Since supporting evidence is limited at this time, the clinical significance of this alteration remains unclear.

NM_001267550.2(TTN):c.390C>G (p.Ile130Met)

Gene: TTN (titin; minus strand). Cytogenetic location: 2q31.2.
Variant type: single nucleotide variant.
Coding change: c.390C>G on transcript NM_001267550.2 (MANE Select); coding-DNA position 390, C replaced by G.
Protein change: p.Ile130Met; replaces isoleucine 130 with methionine.
Molecular consequence: missense variant.
Genome position (GRCh38, 1-based): chr2:178,800,588, G>C on the plus strand (C>G on the coding strand, the complement: TTN is on the minus strand). VCF-style: chr2-178800588-G-C. GRCh37 (hg19) VCF-style: chr2-179665315-G-C.
Other names: c.390C>G, p.Ile130Met (NM_001256850.1, NM_003319.4, NM_133378.4 and 3 more transcripts); short protein forms I130M.
Identifiers: ClinVar variation 1736093 (VCV001736093.2), dbSNP rs2534370491, ClinGen allele CA349528340.
Genomic context (GRCh38, chr2:178,800,588, plus strand): 5'-GAAATCAAGGGAGCTCTGGATTTCGGCTCCATCCCGGTAGAACTTCACCACAGGTGTAGG[G>C]ATTCCAGTCACTCTCACTTGGAGTCTCACTTGGCTTCCTTGTCTCACGGTCATGCTCTGC-3'
Protein context (NP_001254479.2, residues 120-140): QVRLQVRVTG[Ile130Met]PTPVVKFYRD